The following is an entry in ClinVar:

NM_001134831.2(AHI1):c.1791C>T (p.Ile597=)

Gene: AHI1 (Abelson helper integration site 1; minus strand). Cytogenetic location: 6q23.3.
Variant type: single nucleotide variant.
Coding change: c.1791C>T on transcript NM_001134831.2 (MANE Select); coding-DNA position 1791, C replaced by T.
Protein change: p.Ile597=; no amino-acid change (isoleucine 597 retained).
Molecular consequence: synonymous variant.
Genome position (GRCh38, 1-based): chr6:135,442,703, G>A on the plus strand (C>T on the coding strand, the complement: AHI1 is on the minus strand). VCF-style: chr6-135442703-G-A. GRCh37 (hg19) VCF-style: chr6-135763841-G-A.
Other names: c.1791C>T, p.Ile597= (NM_001134830.2, NM_001134832.2, NM_001350503.2 and 2 more transcripts).
Identifiers: ClinVar variation 194255 (VCV000194255.56), dbSNP rs150425546, ClinGen allele CA201065.

ClinVar aggregate classification (germline): Benign/Likely benign. Review status: criteria provided, multiple submitters, no conflicts (2 of 4 stars). 10 submissions from 10 submitters: Benign (4); Likely benign (4). 2 of the submissions do not count toward it. Last evaluated 2026-05-01.

Conditions:
Joubert syndrome 3 (JBTS3). Also called: AHI1-related Ciliopathy. Identifiers: Orphanet 220493, MedGen C1837713, MONDO:0012078, OMIM 608629.
Joubert syndrome. Also called: JOUBERT-BOLTSHAUSER SYNDROME; Familial aplasia of the vermis. Identifiers: Orphanet 475, MedGen C5979921, MONDO:0018772.

Allele frequency attached by ClinVar (database versions not stated): gnomAD exomes 0.00039 and 0.00076; ExAC 0.00102; ESP Exome Variant Server 0.00169; gnomAD 0.00302 and 0.00307; TOPMed 0.00345; 1000 Genomes Project 0.00539; 1000 Genomes Project 30x 0.00547.
gnomAD v4.1: 1,061 of 1,607,948 alleles (0.066%); highest among the groups gnomAD compares: African/African-American, 1%; 12 homozygotes.

Submissions (10):

CeGaT Center for Human Genetics Tuebingen
Classification: Likely benign. Last evaluated: 2026-05-01. Review status: criteria provided, single submitter. Criteria: CeGaT Center For Human Genetics Tuebingen Variant Classification Criteria Version 2. Collection method: clinical testing. Allele origin: germline. Affected: yes. Observed: 3 variant alleles.
Comment: AHI1: BP4, BP7, BS1

Labcorp Genetics (formerly Invitae), Labcorp
Classification: Benign for Joubert syndrome. Last evaluated: 2026-02-01. Review status: criteria provided, single submitter. Criteria: Invitae Variant Classification Sherloc (09022015). Collection method: clinical testing. Allele origin: germline.

Blueprint Genetics
Classification: Likely benign. Last evaluated: 2024-09-18. Review status: criteria provided, single submitter. Criteria: ACMG Guidelines, 2015. Collection method: clinical testing. Allele origin: germline.

GeneDx
Classification: Benign. Last evaluated: 2018-12-31. Review status: criteria provided, single submitter. Criteria: GeneDx Variant Classification Process June 2021. Collection method: clinical testing. Allele origin: germline. Affected: yes.

Genetic Services Laboratory, University of Chicago
Classification: Benign. Last evaluated: 2018-03-07. Review status: criteria provided, single submitter. Criteria: ACMG Guidelines, 2015. Collection method: clinical testing. Allele origin: germline. Affected: no.

Illumina Laboratory Services, Illumina
Classification: Likely benign for Joubert syndrome 3. Last evaluated: 2018-01-13. Review status: criteria provided, single submitter. Criteria: ICSL Variant Classification Criteria 13 December 2019. Collection method: clinical testing. Allele origin: germline.
Comment: This variant was observed in the ICSL laboratory as part of a predisposition screen in an ostensibly healthy population. It had not been previously curated by ICSL or reported in the Human Gene Mutation Database (HGMD: prior to June 1st, 2018), and was therefore a candidate for classification through an automated scoring system. Utilizing variant allele frequency, disease prevalence and penetrance estimates, and inheritance mode, an automated score was calculated to assess if this variant is too frequent to cause the disease. Based on the score and internal cut-off values, a variant classified as likely benign is not then subjected to further curation. The score for this variant resulted in a classification of likely benign for this disease.

Eurofins Ntd Llc (ga)
Classification: Benign. Last evaluated: 2015-05-19. Review status: criteria provided, single submitter. Criteria: EGL Classification Definitions 2015. Collection method: clinical testing. Allele origin: germline. Observed: 1 variant allele, 1 heterozygote.

Breakthrough Genomics
Classification: Likely benign. Review status: criteria provided, single submitter. Criteria: ACMG Guidelines, 2015. Collection method: not provided. Allele origin: germline. Inheritance: Autosomal recessive inheritance. Affected: yes.

Clinical Genetics DNA and cytogenetics Diagnostics Lab, Erasmus MC, Erasmus Medical Center
Classification: Benign. Review status: no assertion criteria provided. Collection method: clinical testing. Allele origin: germline. Affected: yes. Study: VKGL Data-share Consensus. Not counted in ClinVar's aggregate classification.

Clinical Genetics, Academic Medical Center
Classification: Benign. Review status: no assertion criteria provided. Collection method: clinical testing. Allele origin: germline. Affected: yes. Study: VKGL Data-share Consensus. Not counted in ClinVar's aggregate classification.